The following is an entry in ClinVar:

ClinVar aggregate classification (germline): Uncertain significance (1 of 4 stars; one submission).

Conditions:
ADCY3-related disorder. Also called: ADCY3-related condition.

Submission:

PreventionGenetics, part of Exact Sciences
Classification: Uncertain significance for ADCY3-related condition. Last evaluated: 2024-12-31. Review status: criteria provided, single submitter. Criteria: ACMG Guidelines, 2015. Collection method: clinical testing. Allele origin: germline.
Comment: The ADCY3 c.2173C>T variant is predicted to result in the amino acid substitution p.Leu725Phe. To our knowledge, this variant has not been reported in the literature. This variant is reported in 0.0029% of alleles in individuals of Latino descent in gnomAD. At this time, the clinical significance of this variant is uncertain due to the absence of conclusive functional and genetic evidence.

NM_004036.5(ADCY3):c.2173C>T (p.Leu725Phe)

Gene: ADCY3 (adenylate cyclase 3; minus strand). Cytogenetic location: 2p23.3.
Variant type: single nucleotide variant.
Coding change: c.2173C>T on transcript NM_004036.5 (MANE Select); coding-DNA position 2173, C replaced by T.
Protein change: p.Leu725Phe; replaces leucine 725 with phenylalanine.
Molecular consequence: missense variant. On other transcripts: intron variant (2).
Genome position (GRCh38, 1-based): chr2:24,828,161, G>A on the plus strand (C>T on the coding strand, the complement: ADCY3 is on the minus strand). VCF-style: chr2-24828161-G-A. GRCh37 (hg19) VCF-style: chr2-25051030-G-A.
Other names: c.2173C>T, p.Leu725Phe (NM_001320613.2, NM_001377132.1); c.2239C>T, p.Leu747Phe (NM_001377128.1); c.1450C>T, p.Leu484Phe (NM_001377131.1); c.2172+2548C>T (NM_001377130.1); c.2173-138C>T (NM_001377129.1); short protein forms L484F, L725F, L747F.
Identifiers: ClinVar variation 5000578 (VCV005000578.1).